The following is an entry in ClinVar:

ClinVar aggregate classification (germline): Uncertain significance (1 of 4 stars; one submission).

Conditions:
Developmental delay with autism spectrum disorder and gait instability (MRT38). Also called: Intellectual developmental disorder, autosomal recessive 38. Identifiers: Orphanet 329195, MedGen C3809753, MONDO:0014224, OMIM 615516.
SKIN/HAIR/EYE PIGMENTATION 1, BLUE/NONBLUE EYES (SHEP1). Also called: HAIR COLOR 3; SKIN/HAIR/EYE PIGMENTATION 1, BLOND/BROWN HAIR; SKIN/HAIR/EYE PIGMENTATION 1, BLUE/BROWN EYES; BROWN EYE COLOR 2; EYE COLOR 3; EYE COLOR, BLUE/NONBLUE. Identifiers: MedGen C1856895, OMIM 227220.

gnomAD v4.1: 1 of 1,611,992 alleles (0.000062%); highest among the groups gnomAD compares: East Asian, 0.0022%; no homozygotes.

Submission:

Juno Genomics, Hangzhou Juno Genomics, Inc
Classification: Uncertain significance for SKIN/HAIR/EYE PIGMENTATION 1, BLUE/NONBLUE EYES; Developmental delay with autism spectrum disorder and gait instability. Review status: criteria provided, single submitter. Criteria: ACMG Guidelines, 2015. Collection method: clinical testing. Allele origin: germline.
Comment: Absent from controls (or at extremely low frequency if recessive) in Genome Aggregation Database.;Multiple lines of computational evidence support a deleterious effect on the gene or gene product.;Missense variant in a gene that has a low rate of benign missense variation.

NM_004667.6(HERC2):c.6356G>T (p.Arg2119Ile)

Gene: HERC2 (HECT and RLD domain containing E3 ubiquitin protein ligase 2; minus strand). Cytogenetic location: 15q13.1.
Variant type: single nucleotide variant.
Coding change: c.6356G>T on transcript NM_004667.6 (MANE Select); coding-DNA position 6356, G replaced by T.
Protein change: p.Arg2119Ile; replaces arginine 2119 with isoleucine.
Molecular consequence: missense variant.
Genome position (GRCh38, 1-based): chr15:28,214,657, C>A on the plus strand (G>T on the coding strand, the complement: HERC2 is on the minus strand). VCF-style: chr15-28214657-C-A. GRCh37 (hg19) VCF-style: chr15-28459803-C-A.
Other names: short protein forms R2119I.
Identifiers: ClinVar variation 5019383 (VCV005019383.2).